The following is an entry in ClinVar:

NM_005208.5(CRYBA1):c.532_543del (p.Gly178_Tyr181del)

Gene: CRYBA1 (crystallin beta A1; plus strand). Cytogenetic location: 17q11.2.
Variant type: Deletion.
Coding change: c.532_543del on transcript NM_005208.5 (MANE Select); coding-DNA positions 532 to 543, 12 bases deleted (GGGTATCAGTAT).
Protein change: p.Gly178_Tyr181del.
Genome position (GRCh38, 1-based): chr17:29,254,233-29,254,244, GGGTATCAGTAT deleted; deleting any 12 consecutive bases within chr17:29,254,232-29,254,244 gives the same sequence; the c. name uses the placement nearest the transcript's 3' end. VCF-style (leftmost placement, unchanged base first): chr17-29254231-GTGGGTATCAGTA-G. GRCh37 (hg19) VCF-style: chr17-27581249-GTGGGTATCAGTA-G.
Identifiers: ClinVar variation 3365605 (VCV003365605.1).

ClinVar aggregate classification (germline): Uncertain significance (1 of 4 stars; one submission).

Submission:

GeneDx
Classification: Uncertain significance. Last evaluated: 2023-12-16. Review status: criteria provided, single submitter. Criteria: GeneDx Variant Classification Process June 2021. Collection method: clinical testing. Allele origin: germline. Affected: yes.
Comment: Not observed at significant frequency in large population cohorts (gnomAD); In-frame deletion of 4 amino acids in a non-repeat region; In silico analysis supports that this variant does not alter protein structure/function; Has not been previously published as pathogenic or benign to our knowledge